The following is an entry in ClinVar:

NM_001012720.2(RGR):c.385G>A (p.Val129Ile)

Gene: RGR (retinal G protein coupled receptor; plus strand). Cytogenetic location: 10q23.1.
Variant type: single nucleotide variant.
Coding change: c.385G>A on transcript NM_001012720.2 (MANE Select); coding-DNA position 385, G replaced by A.
Protein change: p.Val129Ile; replaces valine 129 with isoleucine.
Molecular consequence: missense variant.
Genome position (GRCh38, 1-based): chr10:84,252,883, G>A. VCF-style: chr10-84252883-G-A. GRCh37 (hg19) VCF-style: chr10-86012639-G-A.
Other names: c.385G>A, p.Val129Ile (NM_001012722.2); c.397G>A, p.Val133Ile (NM_002921.4); short protein forms V133I, V129I.
Identifiers: ClinVar variation 197173 (VCV000197173.19), dbSNP rs138630905, ClinGen allele CA245165.

ClinVar aggregate classification (germline): Conflicting classifications of pathogenicity. Review status: criteria provided, conflicting classifications (1 of 4 stars). 6 submissions from 6 submitters: Uncertain significance (4); Likely benign (2). Last evaluated 2025-08-18.

Conditions:
Retinitis pigmentosa (RP). Identifiers: Orphanet 791, MedGen C0035334, MeSH D012174, MONDO:0019200, OMIM 268000. Inheritance: Autosomal dominant, autosomal recessive and X linked inheritance.

Allele frequency attached by ClinVar (database versions not stated): ESP Exome Variant Server 0.00015; gnomAD 0.00019; TOPMed 0.00020; ExAC 0.00023; gnomAD exomes 0.00024 and 0.00028.

Submissions (6):

Labcorp Genetics (formerly Invitae), Labcorp
Classification: Uncertain significance. Last evaluated: 2025-08-18. Review status: criteria provided, single submitter. Criteria: Invitae Variant Classification Sherloc (09022015). Collection method: clinical testing. Allele origin: germline.
Comment: This sequence change replaces valine, which is neutral and non-polar, with isoleucine, which is neutral and non-polar, at codon 129 of the RGR protein (p.Val129Ile). This variant is present in population databases (rs138630905, gnomAD 0.04%). This variant has not been reported in the literature in individuals affected with RGR-related conditions. ClinVar contains an entry for this variant (Variation ID: 197173). An algorithm developed to predict the effect of missense changes on protein structure and function outputs the following: PolyPhen-2: "Not Available". The isoleucine amino acid residue is found in multiple mammalian species, which suggests that this missense change does not adversely affect protein function. In summary, the available evidence is currently insufficient to determine the role of this variant in disease. Therefore, it has been classified as a Variant of Uncertain Significance.

Ambry Genetics
Classification: Likely benign. Last evaluated: 2025-08-03. Review status: criteria provided, single submitter. Criteria: Ambry Variant Classification Scheme 2023. Collection method: clinical testing. Allele origin: germline.

Blueprint Genetics
Classification: Likely benign. Last evaluated: 2024-10-07. Review status: criteria provided, single submitter. Criteria: ACMG Guidelines, 2015. Collection method: clinical testing. Allele origin: germline.

Illumina Laboratory Services, Illumina
Classification: Uncertain significance for Retinitis pigmentosa. Last evaluated: 2018-01-13. Review status: criteria provided, single submitter. Criteria: ICSL Variant Classification Criteria 13 December 2019. Collection method: clinical testing. Allele origin: germline.

Eurofins Ntd Llc (ga)
Classification: Uncertain significance. Last evaluated: 2017-08-21. Review status: criteria provided, single submitter. Criteria: EGL Classification Definitions 2015. Collection method: clinical testing. Allele origin: germline. Observed: 3 variant alleles, 3 heterozygotes.

GeneDx
Classification: Uncertain significance. Last evaluated: 2017-02-02. Review status: criteria provided, single submitter. Criteria: GeneDx Variant Classification (06012015). Collection method: clinical testing. Allele origin: germline. Affected: yes.
Comment: The V129I variant in the RGR gene has not been reported previously as a pathogenic variant, nor as a benign variant, to our knowledge. The V129I variant is not observed at a significant frequency in large population cohorts (Lek et al., 2016; 1000 Genomes Consortium et al., 2015; Exome Variant Server). The V129I variant is a conservative amino acid substitution, which is not likely to impact secondary protein structure as these residues share similar properties. This substitution occurs at a position where amino acids with similar properties to Valine are tolerated across species. In silico analysis predicts this variant likely does not alter the protein structure/function. We interpret V129I as a variant of uncertain significance.